The following is an entry in ClinVar:

NM_007118.4(TRIO):c.7454T>G (p.Phe2485Cys)

Gene: TRIO (trio Rho guanine nucleotide exchange factor; plus strand). Cytogenetic location: 5p15.2.
Variant type: single nucleotide variant.
Coding change: c.7454T>G on transcript NM_007118.4 (MANE Select); coding-DNA position 7454, T replaced by G.
Protein change: p.Phe2485Cys; replaces phenylalanine 2485 with cysteine.
Molecular consequence: missense variant.
Genome position (GRCh38, 1-based): chr5:14,488,082, T>G. VCF-style: chr5-14488082-T-G. GRCh37 (hg19) VCF-style: chr5-14488191-T-G.
Other names: short protein forms F2485C.
Identifiers: ClinVar variation 3369642 (VCV003369642.1).

ClinVar aggregate classification (germline): Uncertain significance (1 of 4 stars; one submission).

gnomAD v4.1: 1 of 1,609,450 alleles (0.000062%); highest among the groups gnomAD compares: South Asian, 0.0011%; no homozygotes.

Submission:

GeneDx
Classification: Uncertain significance. Last evaluated: 2024-02-25. Review status: criteria provided, single submitter. Criteria: GeneDx Variant Classification Process June 2021. Collection method: clinical testing. Allele origin: germline. Affected: yes.
Comment: In silico analysis supports that this missense variant does not alter protein structure/function; Has not been previously published as pathogenic or benign to our knowledge